The following is an entry in ClinVar:

NM_003123.6(SPN):c.474G>A (p.Leu158=)

Gene: SPN (sialophorin; plus strand). Cytogenetic location: 16p11.2.
Variant type: single nucleotide variant.
Coding change: c.474G>A on transcript NM_003123.6 (MANE Select); coding-DNA position 474, G replaced by A.
Protein change: p.Leu158=; no amino-acid change (leucine 158 retained).
Molecular consequence: synonymous variant.
Genome position (GRCh38, 1-based): chr16:29,664,202, G>A. VCF-style: chr16-29664202-G-A. GRCh37 (hg19) VCF-style: chr16-29675523-G-A.
Other names: c.474G>A, p.Leu158= (NM_001030288.4).
Identifiers: ClinVar variation 3047529 (VCV003047529.2), dbSNP rs377094142, ClinGen allele CA7992181.

ClinVar aggregate classification (germline): Likely benign (0 of 4 stars; one submission).

Conditions:
SPN-related disorder. Also called: SPN-related condition.

Allele frequency attached by ClinVar (database versions not stated): ExAC 0.00009; gnomAD 0.00009; gnomAD exomes 0.00010; TOPMed 0.00013; ESP Exome Variant Server 0.00015.

Submission:

PreventionGenetics, part of Exact Sciences
Classification: Likely benign for SPN-related condition. Last evaluated: 2019-03-22. Review status: no assertion criteria provided. Collection method: clinical testing. Allele origin: germline.
Comment: This variant is classified as likely benign based on ACMG/AMP sequence variant interpretation guidelines (Richards et al. 2015 PMID: 25741868, with internal and published modifications).